The following is an entry in ClinVar:

NM_004519.4(KCNQ3):c.1339C>T (p.Pro447Ser)

Gene: KCNQ3 (potassium voltage-gated channel subfamily Q member 3; minus strand). Cytogenetic location: 8q24.22.
Variant type: single nucleotide variant.
Coding change: c.1339C>T on transcript NM_004519.4 (MANE Select); coding-DNA position 1339, C replaced by T.
Protein change: p.Pro447Ser; replaces proline 447 with serine.
Molecular consequence: missense variant.
Genome position (GRCh38, 1-based): chr8:132,141,255, G>A on the plus strand (C>T on the coding strand, the complement: KCNQ3 is on the minus strand). VCF-style: chr8-132141255-G-A. GRCh37 (hg19) VCF-style: chr8-133153502-G-A.
Other names: c.979C>T, p.Pro327Ser (NM_001204824.2); short protein forms P327S, P447S.
Identifiers: ClinVar variation 1444269 (VCV001444269.6), dbSNP rs759734514, ClinGen allele CA372220203.
Genomic context (GRCh38, chr8:132,141,255, plus strand): 5'-TTAAGCCAACAGGCTTTGGTTCTTTAGAAGGACTTTCTTCTATGGCATCTACATTCAGAG[G>A]GGTAAATAGCTTTCCTTTAGTATTGCTACCACGAGGATTAGAAAGGCGAACCCGATCCAA-3'
Protein context (NP_004510.1, residues 437-457): GSNTKGKLFT[Pro447Ser]LNVDAIEESP

ClinVar aggregate classification (germline): Uncertain significance (1 of 4 stars; one submission).

Conditions:
Benign neonatal seizures. Also called: Convulsions benign familial neonatal dominant form; Autosomal dominant form of benign neonatal seizures; Benign neonatal familial convulsions; Benign familial neonatal epilepsy; Benign familial neonatal seizures. Identifiers: Orphanet 1949, MedGen C0220669, MONDO:0016027.

gnomAD v4.1: 6 of 1,614,160 alleles (0.00037%); highest among the groups gnomAD compares: South Asian, 0.0033%; no homozygotes.

Submission:

Labcorp Genetics (formerly Invitae), Labcorp
Classification: Uncertain significance for Benign neonatal seizures. Last evaluated: 2025-02-23. Review status: criteria provided, single submitter. Criteria: Invitae Variant Classification Sherloc (09022015). Collection method: clinical testing. Allele origin: germline.
Comment: This sequence change replaces proline, which is neutral and non-polar, with serine, which is neutral and polar, at codon 447 of the KCNQ3 protein (p.Pro447Ser). This variant is not present in population databases (gnomAD no frequency). This variant has not been reported in the literature in individuals affected with KCNQ3-related conditions. ClinVar contains an entry for this variant (Variation ID: 1444269). Invitae Evidence Modeling of protein sequence and biophysical properties (such as structural, functional, and spatial information, amino acid conservation, physicochemical variation, residue mobility, and thermodynamic stability) indicates that this missense variant is not expected to disrupt KCNQ3 protein function with a negative predictive value of 80%. In summary, the available evidence is currently insufficient to determine the role of this variant in disease. Therefore, it has been classified as a Variant of Uncertain Significance.